The following is an entry in ClinVar:

ClinVar aggregate classification (germline): Conflicting classifications of pathogenicity. Review status: criteria provided, conflicting classifications (1 of 4 stars). 2 submissions from 2 submitters: Uncertain significance (1); Likely benign (1). Last evaluated 2024-10-21.

Conditions:
Iodotyrosyl coupling defect (TDH3). Also called: HYPOTHYROIDISM, CONGENITAL, DUE TO DYSHORMONOGENESIS, 3; THYROID HORMONOGENESIS, GENETIC DEFECT IN, 3. Identifiers: Orphanet 95716, MedGen C0342194, MONDO:0010135, OMIM 274700.

Allele frequency attached by ClinVar (database versions not stated): gnomAD 0.00002 and 0.00011; TOPMed 0.00003; ExAC 0.00041; 1000 Genomes Project 30x 0.00125; 1000 Genomes Project 0.00160.
gnomAD v4.1: 377 of 1,601,776 alleles (0.024%); highest among the groups gnomAD compares: East Asian, 0.76%; 4 homozygotes.

Submissions (2):

Women's Health and Genetics/Laboratory Corporation of America, LabCorp
Classification: Uncertain significance. Last evaluated: 2024-10-21. Review status: criteria provided, single submitter. Criteria: LabCorp Variant Classification Summary - May 2015. Collection method: clinical testing. Allele origin: germline.
Comment: Variant summary: TG c.3197G>A (p.Arg1066His) results in a non-conservative amino acid change located in the Thyroglobulin type-1 domain (IPR000716) of the encoded protein sequence. Four of five in-silico tools predict a damaging effect of the variant on protein function. The variant allele was found at a frequency of 0.00014 in 233400 control chromosomes (gnomAD). This frequency is not significantly higher than estimated for a pathogenic variant in TG causing TG-Related Disorders, allowing no conclusion about variant significance. c.3197G>A has been reported in the literature in individuals affected with congenital hypothyroidism (Wang_2020, Yamaguchi_2020, Yang_2021, Li_2022). These reports do not provide unequivocal conclusions about association of the variant with TG-Related Disorders. To our knowledge, no experimental evidence demonstrating an impact on protein function has been reported. The following publications have been ascertained in the context of this evaluation (PMID: 36125728, 32425884, 32459320, 34456971). ClinVar contains an entry for this variant (Variation ID: 910038). Based on the evidence outlined above, the variant was classified as uncertain significance.

Illumina Laboratory Services, Illumina
Classification: Likely benign for Iodotyrosyl coupling defect. Last evaluated: 2017-04-27. Review status: criteria provided, single submitter. Criteria: ICSL Variant Classification Criteria 13 December 2019. Collection method: clinical testing. Allele origin: germline.
Comment: This variant was observed as part of a predisposition screen in an ostensibly healthy population. A literature search was performed for the gene, cDNA change, and amino acid change (where applicable). No publications were found based on this search. Allele frequency data from public databases allowed determination this variant is unlikely to cause disease. Therefore, this variant is classified as likely benign.

Literature cited by the submitters: PubMed 32425884 (cited by Women's Health and Genetics/Laboratory Corporation of America, LabCorp); PubMed 32459320 (cited by Women's Health and Genetics/Laboratory Corporation of America, LabCorp); PubMed 36125728 (cited by Women's Health and Genetics/Laboratory Corporation of America, LabCorp); PubMed 34456971 (cited by Women's Health and Genetics/Laboratory Corporation of America, LabCorp).

NM_003235.5(TG):c.3197G>A (p.Arg1066His)

Gene: TG (thyroglobulin; plus strand). Cytogenetic location: 8q24.22.
Variant type: single nucleotide variant.
Coding change: c.3197G>A on transcript NM_003235.5 (MANE Select); coding-DNA position 3197, G replaced by A.
Protein change: p.Arg1066His; replaces arginine 1066 with histidine.
Molecular consequence: missense variant.
Genome position (GRCh38, 1-based): chr8:132,898,226, G>A. VCF-style: chr8-132898226-G-A. GRCh37 (hg19) VCF-style: chr8-133910471-G-A.
Other names: short protein forms R1066H.
Identifiers: ClinVar variation 910038 (VCV000910038.5), dbSNP rs116119508, ClinGen allele CA4883656.
Genomic context (GRCh38, chr8:132,898,226, plus strand): 5'-CAGGGCACTGCTGGTGTGTAGATGAGAAAGGAGGGTTCATCCCTGGCTCACTGACTGCCC[G>A]CTCTCTGCAGATTCCACAGTGTAAGTGAAGACTGCAGAGTTCTCCTCCTGACCCCCCTTG-3'
Protein context (NP_003226.4, residues 1056-1076): GGFIPGSLTA[Arg1066His]SLQIPQCPTT